The following is an entry in ClinVar:

ClinVar aggregate classification (germline): Conflicting classifications of pathogenicity. Review status: criteria provided, conflicting classifications (1 of 4 stars). 2 submissions from 2 submitters: Uncertain significance (1); Likely benign (1). Last evaluated 2024-03-21.

Conditions:
Hereditary pancreatitis (PCTT). Also called: Hereditary chronic pancreatitis; PRSS1-Related Hereditary Pancreatitis. Identifiers: Orphanet 676, MedGen C0238339, MONDO:0008185, OMIM 167800.

Allele frequency attached by ClinVar (database versions not stated): gnomAD 0.00001; gnomAD exomes 0.00003 and 0.00004; TOPMed 0.00004; ExAC 0.00005.
gnomAD v4.1: 44 of 1,614,018 alleles (0.0027%); highest among the groups gnomAD compares: Middle Eastern, 0.049%; no homozygotes.

Submissions (2):

Ambry Genetics
Classification: Likely benign for Hereditary pancreatitis. Last evaluated: 2024-03-21. Review status: criteria provided, single submitter. Criteria: Ambry Variant Classification Scheme 2023. Collection method: clinical testing. Allele origin: germline.

Labcorp Genetics (formerly Invitae), Labcorp
Classification: Uncertain significance. Last evaluated: 2021-10-16. Review status: criteria provided, single submitter. Criteria: Invitae Variant Classification Sherloc (09022015). Collection method: clinical testing. Allele origin: germline.
Comment: This sequence change replaces arginine with histidine at codon 386 of the CPA1 protein (p.Arg386His). The arginine residue is moderately conserved and there is a small physicochemical difference between arginine and histidine. In summary, the available evidence is currently insufficient to determine the role of this variant in disease. Therefore, it has been classified as a Variant of Uncertain Significance. Experimental studies have shown that this missense change does not substantially affect CPA1 function (PMID: 23955596). Algorithms developed to predict the effect of missense changes on protein structure and function (SIFT, PolyPhen-2, Align-GVGD) all suggest that this variant is likely to be tolerated. This variant has not been reported in the literature in individuals affected with CPA1-related conditions. This variant is present in population databases (rs782338563, ExAC 0.02%).

Literature cited by the submitters: PubMed 23955596 (cited by Ambry Genetics and Labcorp Genetics (formerly Invitae), Labcorp); PubMed 28497564 (cited by Ambry Genetics).

NM_001868.4(CPA1):c.1157G>A (p.Arg386His)

Gene: CPA1 (carboxypeptidase A1; plus strand). Cytogenetic location: 7q32.2.
Variant type: single nucleotide variant.
Coding change: c.1157G>A on transcript NM_001868.4 (MANE Select); coding-DNA position 1157, G replaced by A.
Protein change: p.Arg386His; replaces arginine 386 with histidine.
Molecular consequence: missense variant.
Genome position (GRCh38, 1-based): chr7:130,387,908, G>A. VCF-style: chr7-130387908-G-A. GRCh37 (hg19) VCF-style: chr7-130027749-G-A.
Other names: short protein forms R386H.
Identifiers: ClinVar variation 1034455 (VCV001034455.8), dbSNP rs782338563, ClinGen allele CA4485074.